The following is an entry in ClinVar:

ClinVar aggregate classification (germline): Uncertain significance (1 of 4 stars; one submission).

Conditions:
Neuronal ceroid lipofuscinosis 15. Also called: Neurodegeneration, childhood-onset, hypotonia, respiratory insufficiency and brain imaging abnormalities; Neurodegeneration, childhood-onset, with hypotonia, respiratory insufficiency, and brain imaging abnormalities. Identifiers: Orphanet 610573, MedGen C5543020, MONDO:0030947, OMIM 619173.

gnomAD v4.1: 1 of 1,614,050 alleles (0.000062%); highest among the groups gnomAD compares: South Asian, 0.0011%; no homozygotes.

Submission:

Institute of Human Genetics, University of Goettingen
Classification: Uncertain significance for Neuronal ceroid lipofuscinosis 15. Last evaluated: 2025-06-18. Review status: criteria provided, single submitter. Criteria: ACMG Guidelines, 2015. Collection method: clinical testing. Allele origin: unknown. Inheritance: Autosomal dominant inheritance. Affected: yes. Observed: 1 heterozygote.
Comment: The variant c.1319C>T (p.(Thr440Ile)) in exon 14 of the CLCN6-gene affects a weakly conserved nucleotide, and a highly conserved amino acid and there is a moderate physicochemical difference between Glu and Lys. This variant has a pathogenic computational verdict based on in silico prediction algorithms. ACMG criteria used for classification: PM2_sup, PP3_mod

NM_001286.5(CLCN6):c.1319C>T (p.Thr440Ile)

Gene: CLCN6 (Cl-/H+ antiporter 6; plus strand). Cytogenetic location: 1p36.22.
Variant type: single nucleotide variant.
Coding change: c.1319C>T on transcript NM_001286.5 (MANE Select); coding-DNA position 1319, C replaced by T.
Protein change: p.Thr440Ile; replaces threonine 440 with isoleucine.
Molecular consequence: missense variant. On other transcripts: non-coding transcript variant (1).
Genome position (GRCh38, 1-based): chr1:11,833,585, C>T. VCF-style: chr1-11833585-C-T. GRCh37 (hg19) VCF-style: chr1-11893642-C-T.
Other names: c.1253C>T, p.Thr418Ile (NM_001256959.2); short protein forms T418I, T440I.
Identifiers: ClinVar variation 4532253 (VCV004532253.1).